The following is an entry in ClinVar:

ClinVar aggregate classification (germline): Uncertain significance (1 of 4 stars; one submission).

Conditions:
Hereditary cancer-predisposing syndrome. Also called: Tumor predisposition; Hereditary Cancer Syndrome; Hereditary neoplastic syndrome; Neoplastic Syndromes, Hereditary. Identifiers: Orphanet 140162, MedGen C0027672, MeSH D009386, MONDO:0015356.

Submissions (2):

Ambry Genetics
Classification: Uncertain significance for Hereditary cancer-predisposing syndrome. Last evaluated: 2024-04-25. Review status: criteria provided, single submitter. Criteria: Ambry Variant Classification Scheme 2023. Collection method: clinical testing. Allele origin: germline.
Comment: The p.S80R variant (also known as c.238A>C), located in coding exon 4 of the BRCA1 gene, results from an A to C substitution at nucleotide position 238. The serine at codon 80 is replaced by arginine, an amino acid with dissimilar properties. One functional study found that this nucleotide substitution has intermediate function in a high throughput genome editing haploid cell survival assay (Findlay GM et al. Nature, 2018 Oct;562:217-222). This amino acid position is well conserved in available vertebrate species. In addition, this alteration is predicted to be deleterious by in silico analysis. Based on the available evidence, the clinical significance of this variant remains unclear.

Brotman Baty Institute, University of Washington
No classification provided (evidence only). Condition: Breast-ovarian cancer, familial 1. Review status: no classification provided. Collection method: in vitro. Allele origin: not applicable. Functional consequence: function_uncertain_variant. Not counted in ClinVar's aggregate classification.
ClinVar note: "not provided" was previously submitted as the classification for the variant. However, the classification appeared to be based only on an observation of functional data so it was converted to no classification on 2025-07-30.

Literature cited by the submitters: PubMed 30209399 (cited by Ambry Genetics).

NM_007294.4(BRCA1):c.238A>C (p.Ser80Arg)

Gene: BRCA1 (BRCA1 DNA repair associated; minus strand). Cytogenetic location: 17q21.31.
Variant type: single nucleotide variant.
Coding change: c.238A>C on transcript NM_007294.4 (MANE Select); coding-DNA position 238, A replaced by C.
Protein change: p.Ser80Arg; replaces serine 80 with arginine.
Molecular consequence: missense variant. On other transcripts: non-coding transcript variant (1).
Genome position (GRCh38, 1-based): chr17:43,104,931, T>G on the plus strand (A>C on the coding strand, the complement: BRCA1 is on the minus strand). VCF-style: chr17-43104931-T-G. GRCh37 (hg19) VCF-style: chr17-41256948-T-G.
Other names: c.238A>C, p.Ser80Arg (NM_001407630.1, NM_001407631.1, NM_001407632.1 and 168 more transcripts); c.160A>C, p.Ser54Arg (NM_001407653.1, NM_001407654.1, NM_001407655.1 and 21 more transcripts); c.97A>C, p.Ser33Arg (NM_001407692.1, NM_001407694.1, NM_001407695.1 and 99 more transcripts); c.28A>C, p.Ser10Arg (NM_001407853.1, NM_001407879.1, NM_001407881.1 and 58 more transcripts); c.-144A>C (NM_001407959.1, NM_001407960.1, NM_001407962.1 and 4 more transcripts); c.106A>C, p.Ser36Arg (NM_001408451.1); short protein forms S80R, S33R, S10R, S54R, S36R.
Identifiers: ClinVar variation 865312 (VCV000865312.4), dbSNP rs2054690791, ClinGen allele CA10601683.
Genomic context (GRCh38, chr17:43,104,931, plus strand): 5'-CCAAACCTGTGTCAAGCTGAAAAGCACAAATGATTTTCAATAGCTCTTCAACAAGTTGAC[T>G]AAATCTCGTACTTTCTTGTAGGCTCCTGAAATTAAATTGTTTGAGAAACACACTCAGCAA-3'
Protein context (NP_009225.1, residues 70-90): KRSLQESTRF[Ser80Arg]QLVEELLKII